The following is an entry in ClinVar:

NM_004380.3(CREBBP):c.5039C>T (p.Ser1680Phe)

Gene: CREBBP (CREB binding protein; minus strand). Cytogenetic location: 16p13.3.
Variant type: single nucleotide variant.
Coding change: c.5039C>T on transcript NM_004380.3 (MANE Select); coding-DNA position 5039, C replaced by T.
Protein change: p.Ser1680Phe; replaces serine 1680 with phenylalanine.
Molecular consequence: missense variant.
Genome position (GRCh38, 1-based): chr16:3,731,325, G>A on the plus strand (C>T on the coding strand, the complement: CREBBP is on the minus strand). VCF-style: chr16-3731325-G-A. GRCh37 (hg19) VCF-style: chr16-3781326-G-A.
Other names: c.4925C>T, p.Ser1642Phe (NM_001079846.1); short protein forms S1642F, S1680F.
Identifiers: ClinVar variation 1181294 (VCV001181294.3), dbSNP rs1445723787, ClinGen allele CA394558531.

ClinVar aggregate classification (germline): Uncertain significance (1 of 4 stars; one submission).

Allele frequency attached by ClinVar (database versions not stated): gnomAD exomes below 0.00001; TOPMed 0.00001.
gnomAD v4.1: 1 of 1,614,124 alleles (0.000062%); no homozygotes.

Submission:

GeneDx
Classification: Uncertain significance. Last evaluated: 2025-03-27. Review status: criteria provided, single submitter. Criteria: GeneDx Variant Classification Process June 2021. Collection method: clinical testing. Allele origin: germline. Affected: yes.
Comment: In silico analysis supports that this missense variant has a deleterious effect on protein structure/function; Has not been previously published as pathogenic or benign to our knowledge; This variant is associated with the following publications: (PMID: 12070251)